The following is an entry in ClinVar:

NM_014679.5(CEP57):c.538A>T (p.Thr180Ser)

Gene: CEP57 (centrosomal protein 57; plus strand). Cytogenetic location: 11q21.
Variant type: single nucleotide variant.
Coding change: c.538A>T on transcript NM_014679.5 (MANE Select); coding-DNA position 538, A replaced by T.
Protein change: p.Thr180Ser; replaces threonine 180 with serine.
Molecular consequence: missense variant. On other transcripts: intron variant (7).
Genome position (GRCh38, 1-based): chr11:95,817,820, A>T. VCF-style: chr11-95817820-A-T. GRCh37 (hg19) VCF-style: chr11-95550984-A-T.
Other names: c.424-1007A>T (NM_001440877.1, NM_001440878.1); c.505-1007A>T (NM_001440872.1, NM_001440876.1, NM_001440879.1 and 1 more transcripts); c.325-1007A>T (NM_001440881.1); c.511A>T, p.Thr171Ser (NM_001243776.2); c.538A>T, p.Thr180Ser (NM_001243777.2, NM_001440871.1, NM_001440874.1); c.457A>T, p.Thr153Ser (NM_001363604.2, NM_001440869.1, NM_001440870.1 and 1 more transcripts); c.358A>T, p.Thr120Ser (NM_001440873.1); c.277A>T, p.Thr93Ser (NM_001440880.1); short protein forms T120S, T180S, T93S, T153S, T171S.
Identifiers: ClinVar variation 5034382 (VCV005034382.1).

ClinVar aggregate classification (germline): Uncertain significance (1 of 4 stars; one submission).

Conditions:
Inborn genetic diseases. Identifiers: MedGen C0950123, MeSH D030342.

Submission:

Ambry Genetics
Classification: Uncertain significance for Inborn genetic diseases. Last evaluated: 2026-08-03. Review status: criteria provided, single submitter. Criteria: Ambry Variant Classification Scheme 2023. Collection method: clinical testing. Allele origin: germline.
Comment: The p.T180S variant (also known as c.538A>T), located in coding exon 5 of the CEP57 gene, results from an A to T substitution at nucleotide position 538. The threonine at codon 180 is replaced by serine, an amino acid with similar properties. This amino acid position is conserved. In addition, this alteration is predicted to be tolerated by in silico analysis. Based on the available evidence, the clinical significance of this variant remains unclear.